The following is an entry in ClinVar:

ClinVar aggregate classification (germline): Benign. Review status: criteria provided, multiple submitters, no conflicts (2 of 4 stars). 3 submissions from 3 submitters: Benign (2). 1 of the submissions does not count toward it. Last evaluated 2018-06-06.

Conditions:
CSMD3-related disorder. Also called: CSMD3-related condition.

Allele frequency attached by ClinVar (database versions not stated): 1000 Genomes Project 0.00120; 1000 Genomes Project 30x 0.00125; gnomAD 0.00129 and 0.00134; gnomAD exomes 0.00142 and 0.00155; ESP Exome Variant Server 0.00146; TOPMed 0.00150; ExAC 0.00152.
gnomAD v4.1: 2,359 of 1,613,366 alleles (0.15%); highest among the groups gnomAD compares: Middle Eastern, 2.1%; 12 homozygotes.

Submissions (3):

Labcorp Genetics (formerly Invitae), Labcorp
Classification: Benign. Last evaluated: 2018-06-06. Review status: criteria provided, single submitter. Criteria: Invitae Variant Classification Sherloc (09022015). Collection method: clinical testing. Allele origin: germline.

Breakthrough Genomics
Classification: Benign. Review status: criteria provided, single submitter. Criteria: ACMG Guidelines, 2015. Collection method: not provided. Allele origin: germline. Inheritance: Unknown mechanism. Affected: yes.

PreventionGenetics, part of Exact Sciences
Classification: Likely benign for CSMD3-related condition. Last evaluated: 2019-02-22. Review status: no assertion criteria provided. Collection method: clinical testing. Allele origin: germline. Not counted in ClinVar's aggregate classification.
Comment: This variant is classified as likely benign based on ACMG/AMP sequence variant interpretation guidelines (Richards et al. 2015 PMID: 25741868, with internal and published modifications).

NM_198123.2(CSMD3):c.1803T>C (p.Asp601=)

Gene: CSMD3 (CUB and Sushi multiple domains 3; minus strand). Cytogenetic location: 8q23.3.
Variant type: single nucleotide variant.
Coding change: c.1803T>C on transcript NM_198123.2 (MANE Select); coding-DNA position 1803, T replaced by C.
Protein change: p.Asp601=; no amino-acid change (aspartic acid 601 retained).
Molecular consequence: synonymous variant.
Genome position (GRCh38, 1-based): chr8:112,829,742, A>G on the plus strand (T>C on the coding strand, the complement: CSMD3 is on the minus strand). VCF-style: chr8-112829742-A-G. GRCh37 (hg19) VCF-style: chr8-113841971-A-G.
Other names: c.1413T>C, p.Asp471= (NM_001363185.1); c.1491T>C, p.Asp497= (NM_052900.3); c.1683T>C, p.Asp561= (NM_198124.2).
Identifiers: ClinVar variation 710210 (VCV000710210.6), dbSNP rs142880481, ClinGen allele CA4850849.